The following is an entry in ClinVar:

ClinVar aggregate classification (germline): Pathogenic. Review status: criteria provided, multiple submitters, no conflicts (2 of 4 stars). 2 submissions from 2 submitters: Pathogenic (2). Last evaluated 2025-12-02.

Conditions:
Retinitis pigmentosa 39 (RP39). Identifiers: Orphanet 791, MedGen C3151138, MONDO:0013436, OMIM 613809.

Submissions (2):

3billion
Classification: Pathogenic for Retinitis pigmentosa 39. Last evaluated: 2025-12-02. Review status: criteria provided, single submitter. Criteria: ACMG Guidelines, 2015. Collection method: clinical testing. Allele origin: germline. Affected: yes.
Comment: The variant is not observed in the gnomAD v4.1.0 dataset. Predicted Consequence/Location: Stop-gained (nonsense): predicted to result in a loss or disruption of normal protein function through nonsense-mediated decay (NMD) or protein truncation. Multiple pathogenic variants are reported downstream of the variant. The variant has been reported to be associated with USH2A-related disorder (ClinVar ID: VCV000961937). Therefore, this variant is classified as Pathogenic according to the recommendation of ACMG/AMP guideline.

Labcorp Genetics (formerly Invitae), Labcorp
Classification: Pathogenic. Last evaluated: 2019-10-24. Review status: criteria provided, single submitter. Criteria: Invitae Variant Classification Sherloc (09022015). Collection method: clinical testing. Allele origin: germline.
Comment: For these reasons, this variant has been classified as Pathogenic. This sequence change creates a premature translational stop signal (p.Glu1202*) in the USH2A gene. It is expected to result in an absent or disrupted protein product. This variant is not present in population databases (ExAC no frequency). This variant has not been reported in the literature in individuals with USH2A-related conditions. Loss-of-function variants in USH2A are known to be pathogenic (PMID: 10729113, 10909849, 20507924, 25649381).

Literature cited by the submitters: PubMed 10729113 (cited by Labcorp Genetics (formerly Invitae), Labcorp); PubMed 10909849 (cited by Labcorp Genetics (formerly Invitae), Labcorp); PubMed 20507924 (cited by Labcorp Genetics (formerly Invitae), Labcorp); PubMed 25649381 (cited by Labcorp Genetics (formerly Invitae), Labcorp).

NM_206933.4(USH2A):c.3604G>T (p.Glu1202Ter)

Genes: USH2A-AS1 (USH2A antisense RNA 1; plus strand), USH2A (usherin; minus strand). Cytogenetic location: 1q41.
Variant type: single nucleotide variant.
Coding change: c.3604G>T on transcript NM_206933.4 (MANE Select); coding-DNA position 3604, G replaced by T.
Protein change: p.Glu1202Ter; replaces glutamic acid 1202 with a stop codon.
Molecular consequence: nonsense.
Genome position (GRCh38, 1-based): chr1:216,199,834, C>A on the plus strand (G>T on the coding strand, the complement: USH2A is on the minus strand). VCF-style: chr1-216199834-C-A. GRCh37 (hg19) VCF-style: chr1-216373176-C-A.
Other names: c.3604G>T, p.Glu1202Ter (NM_007123.6); short protein forms E1202*.
Identifiers: ClinVar variation 961937 (VCV000961937.8), dbSNP rs2034941445, ClinGen allele CA344868075.